The following is an entry in ClinVar:

ClinVar aggregate classification (germline): Pathogenic (1 of 4 stars; one submission).

Conditions:
Hereditary diffuse gastric adenocarcinoma (HDGC). Also called: DIFFUSE GASTRIC AND LOBULAR BREAST CANCER SYNDROME. Identifiers: Orphanet 26106, MedGen C1708349, MONDO:0007648, OMIM 137215.

Submission:

Myriad Genetics, Inc.
Classification: Pathogenic for Hereditary diffuse gastric adenocarcinoma. Last evaluated: 2023-06-13. Review status: criteria provided, single submitter. Criteria: Myriad Autosomal Dominant, Autosomal Recessive and X-Linked Classification Criteria (2023). Collection method: clinical testing. Allele origin: unknown.
Comment: This variant is considered pathogenic. This variant creates a frameshift predicted to result in premature protein truncation.

NM_004360.5(CDH1):c.1343dup (p.Gln449fs)

Gene: CDH1 (cadherin 1; plus strand). Cytogenetic location: 16q22.1.
Variant type: Duplication.
Coding change: c.1343dup on transcript NM_004360.5 (MANE Select); coding-DNA position 1343, one base duplicated (A; older notation c.1343dupA).
Protein change: p.Gln449fs; shifts the reading frame from glutamine 449.
Molecular consequence: frameshift variant. On other transcripts: 5 prime UTR variant (2).
Genome position (GRCh38, 1-based): chr16:68,815,537, A duplicated. VCF-style (leftmost placement, unchanged base first): chr16-68815536-C-CA. GRCh37 (hg19) VCF-style: chr16-68849439-C-CA.
Other names: c.1160dup, p.Gln388fs (NM_001317184.2); c.-206dup (NM_001317185.2); c.-477dup (NM_001317186.2); short protein forms Q388fs, Q449fs.
Identifiers: ClinVar variation 2583494 (VCV002583494.2), dbSNP rs2543930275, ClinGen allele CA2582342593.